The following is an entry in ClinVar:

ClinVar aggregate classification (germline): Uncertain significance. Review status: criteria provided, multiple submitters, no conflicts (2 of 4 stars). 2 submissions from 2 submitters: Uncertain significance (2). Last evaluated 2025-08-30.

Allele frequency attached by ClinVar (database versions not stated): ExAC 0.00002; TOPMed 0.00003; ESP Exome Variant Server 0.00008.
gnomAD v4.1: 114 of 1,362,832 alleles (0.0084%); highest among the groups gnomAD compares: African/African-American, 0.011%; no homozygotes.

Submissions (2):

Ambry Genetics
Classification: Uncertain significance. Last evaluated: 2025-08-30. Review status: criteria provided, single submitter. Criteria: Ambry Variant Classification Scheme 2023. Collection method: clinical testing. Allele origin: germline.

Labcorp Genetics (formerly Invitae), Labcorp
Classification: Uncertain significance. Last evaluated: 2023-09-11. Review status: criteria provided, single submitter. Criteria: Invitae Variant Classification Sherloc (09022015). Collection method: clinical testing. Allele origin: germline.
Comment: In summary, the available evidence is currently insufficient to determine the role of this variant in disease. Therefore, it has been classified as a Variant of Uncertain Significance. Advanced modeling of protein sequence and biophysical properties (such as structural, functional, and spatial information, amino acid conservation, physicochemical variation, residue mobility, and thermodynamic stability) performed at Invitae indicates that this missense variant is not expected to disrupt FAT2 protein function. ClinVar contains an entry for this variant (Variation ID: 2183228). This variant has not been reported in the literature in individuals affected with FAT2-related conditions. This variant is present in population databases (rs376802525, gnomAD 0.01%). This sequence change replaces arginine, which is basic and polar, with cysteine, which is neutral and slightly polar, at codon 1072 of the FAT2 protein (p.Arg1072Cys).

NM_001447.3(FAT2):c.3214C>T (p.Arg1072Cys)

Gene: FAT2 (FAT atypical cadherin 2; minus strand). Cytogenetic location: 5q33.1.
Variant type: single nucleotide variant.
Coding change: c.3214C>T on transcript NM_001447.3 (MANE Select); coding-DNA position 3214, C replaced by T.
Protein change: p.Arg1072Cys; replaces arginine 1072 with cysteine.
Molecular consequence: missense variant.
Genome position (GRCh38, 1-based): chr5:151,565,718, G>A on the plus strand (C>T on the coding strand, the complement: FAT2 is on the minus strand). VCF-style: chr5-151565718-G-A. GRCh37 (hg19) VCF-style: chr5-150945279-G-A.
Other names: c.3214C>T (NM_001447.2); short protein forms R1072C.
Identifiers: ClinVar variation 2183228 (VCV002183228.5), dbSNP rs376802525, ClinGen allele CA3521898.